The following is an entry in ClinVar:

NM_000051.4(ATM):c.1184_1197delinsGTGAT (p.Val395_His399delinsGlyAsp)

Gene: ATM (ATM serine/threonine kinase; plus strand). Cytogenetic location: 11q22.3.
Variant type: Indel.
Coding change: c.1184_1197delinsGTGAT on transcript NM_000051.4 (MANE Select); coding-DNA positions 1184 to 1197, TAATAAAAGATCAC replaced by GTGAT.
Protein change: p.Val395_His399delinsGlyAsp.
Molecular consequence: inframe indel.
Genome position (GRCh38, 1-based): chr11:108,249,051-108,249,064, TAATAAAAGATCAC replaced by GTGAT. VCF-style: chr11-108249051-TAATAAAAGATCAC-GTGAT. GRCh37 (hg19) VCF-style: chr11-108119778-TAATAAAAGATCAC-GTGAT.
Other names: c.1184_1197delinsGTGAT, p.Val395_His399delinsGlyAsp (NM_001351834.2); c.1184_1197del14insGTGAT (NM_000051.3).
Identifiers: ClinVar variation 1742895 (VCV001742895.3), dbSNP rs2497212070, ClinGen allele CA2580083757.

ClinVar aggregate classification (germline): Uncertain significance (1 of 4 stars; one submission).

Conditions:
Hereditary cancer-predisposing syndrome. Also called: Hereditary Cancer Syndrome; Hereditary neoplastic syndrome; Neoplastic Syndromes, Hereditary; Tumor predisposition. Identifiers: Orphanet 140162, MedGen C0027672, MeSH D009386, MONDO:0015356.

Submission:

Ambry Genetics
Classification: Uncertain significance for Hereditary cancer-predisposing syndrome. Last evaluated: 2023-02-07. Review status: criteria provided, single submitter. Criteria: Ambry Variant Classification Scheme 2023. Collection method: clinical testing. Allele origin: germline.
Comment: The c.1184_1197del14insGTGAT variant (also known as p.V395_H399delinsGD), located in coding exon 8 of the ATM gene, results from an in-frame deletion of 14 nucleotides and insertion of GTGAT at nucleotide positions 1184 to 1197. This results in the deletion of the valine, isoleucine, lysine, aspartic acid and histidine residues at codons 395 to 399 and the insertion of glycine and aspartic acid residues. The amino acid positions in this region are well conserved in available vertebrate species. In addition, this alteration is predicted to be deleterious by in silico analysis (Choi Y et al. PLoS ONE. 2012; 7(10):e46688). Since supporting evidence is limited at this time, the clinical significance of this alteration remains unclear.